The following is an entry in ClinVar:

ClinVar aggregate classification (germline): Uncertain significance (1 of 4 stars; one submission).

Submission:

CeGaT Center for Human Genetics Tuebingen
Classification: Uncertain significance. Last evaluated: 2023-07-01. Review status: criteria provided, single submitter. Criteria: CeGaT Center For Human Genetics Tuebingen Variant Classification Criteria Version 2. Collection method: clinical testing. Allele origin: germline. Affected: yes. Observed: 1 variant allele.
Comment: SRD5A3: PM2, PP4:Moderate, BP4

NM_024592.5(SRD5A3):c.758C>T (p.Ser253Phe)

Genes: SRD5A3 (steroid 5 alpha-reductase 3; plus strand), SRD5A3-AS1 (SRD5A3 antisense RNA 1; minus strand). Cytogenetic location: 4q12.
Variant type: single nucleotide variant.
Coding change: c.758C>T on transcript NM_024592.5 (MANE Select); coding-DNA position 758, C replaced by T.
Protein change: p.Ser253Phe; replaces serine 253 with phenylalanine.
Molecular consequence: missense variant.
Genome position (GRCh38, 1-based): chr4:55,369,892, C>T. VCF-style: chr4-55369892-C-T. GRCh37 (hg19) VCF-style: chr4-56236059-C-T.
Other names: c.623C>T, p.Ser208Phe (NM_001410732.1); short protein forms S208F, S253F.
Identifiers: ClinVar variation 2571204 (VCV002571204.27), dbSNP rs2545461422, ClinGen allele CA356958143.
Genomic context (GRCh38, chr4:55,369,892, plus strand): 5'-GAGTGGTCATTCACTGTAACCACAGGATCCCATTTGGAGACTGGTTTGAATATGTTTCTT[C>T]CCCTAACTACTTAGCAGAGCTGATGATCTACGTTTCCATGGCCGTCACCTTTGGGTTCCA-3'
Protein context (NP_078868.1, residues 243-263): PFGDWFEYVS[Ser253Phe]PNYLAELMIY